The following is an entry in ClinVar:

ClinVar aggregate classification (germline): Likely benign. Review status: criteria provided, multiple submitters, no conflicts (2 of 4 stars). 4 submissions from 4 submitters: Likely benign (3). 1 of the submissions does not count toward it. Last evaluated 2025-11-10.

Conditions:
AHI1-related disorder. Also called: AHI1-related condition.
Joubert syndrome 3 (JBTS3). Also called: AHI1-related Ciliopathy. Identifiers: Orphanet 220493, MedGen C1837713, MONDO:0012078, OMIM 608629.
Joubert syndrome. Also called: JOUBERT-BOLTSHAUSER SYNDROME; Familial aplasia of the vermis. Identifiers: Orphanet 475, MedGen C5979921, MONDO:0018772.

Allele frequency attached by ClinVar (database versions not stated): ExAC 0.00009; gnomAD 0.00020 and 0.00021; TOPMed 0.00022; ESP Exome Variant Server 0.00051.
gnomAD v4.1: 55 of 1,591,734 alleles (0.0035%); highest among the groups gnomAD compares: African/African-American, 0.073%; no homozygotes.

Submissions (4):

Labcorp Genetics (formerly Invitae), Labcorp
Classification: Likely benign for Joubert syndrome. Last evaluated: 2025-11-10. Review status: criteria provided, single submitter. Criteria: Invitae Variant Classification Sherloc (09022015). Collection method: clinical testing. Allele origin: germline.

Fulgent Genetics
Classification: Likely benign for Joubert syndrome 3. Last evaluated: 2022-04-04. Review status: criteria provided, single submitter. Criteria: ACMG Guidelines, 2015. Collection method: clinical testing. Allele origin: unknown.

Blueprint Genetics
Classification: Likely benign. Last evaluated: 2021-11-12. Review status: criteria provided, single submitter. Criteria: ACMG Guidelines, 2015. Collection method: clinical testing. Allele origin: germline.

PreventionGenetics, part of Exact Sciences
Classification: Likely benign for AHI1-related condition. Last evaluated: 2020-10-12. Review status: no assertion criteria provided. Collection method: clinical testing. Allele origin: germline. Not counted in ClinVar's aggregate classification.
Comment: This variant is classified as likely benign based on ACMG/AMP sequence variant interpretation guidelines (Richards et al. 2015 PMID: 25741868, with internal and published modifications).

NM_001134831.2(AHI1):c.136-8C>T

Gene: AHI1 (Abelson helper integration site 1; minus strand). Cytogenetic location: 6q23.3.
Variant type: single nucleotide variant.
Coding change: c.136-8C>T on transcript NM_001134831.2 (MANE Select); 8 bases into the intron before coding-DNA position 136, C replaced by T.
Molecular consequence: intron variant.
Genome position (GRCh38, 1-based): chr6:135,467,642, G>A on the plus strand (C>T on the coding strand, the complement: AHI1 is on the minus strand). VCF-style: chr6-135467642-G-A. GRCh37 (hg19) VCF-style: chr6-135788780-G-A.
Other names: c.136-8C>T (NM_001134830.2, NM_001350503.2, NM_017651.5 and 2 more transcripts).
Identifiers: ClinVar variation 700710 (VCV000700710.12), dbSNP rs370834009, ClinGen allele CA4012912.
Genomic context (GRCh38, chr6:135,467,642, plus strand): 5'-TCATCACTTGTAGTTTCTTTCATATAGTGAAGATTGCTTCTAATAGTGTCAGGCTAAAAA[G>A]GAAGACATAATAAAGTTTCAGCTAAGCGTAGATTAGTTGTATCAAGAAAAACCAATAATT-3'